The following is an entry in ClinVar:

NM_001379200.1(TBX1):c.1127G>A (p.Arg376Gln)

Gene: TBX1 (T-box transcription factor 1; plus strand). Cytogenetic location: 22q11.21.
Variant type: single nucleotide variant.
Coding change: c.1127G>A on transcript NM_001379200.1 (MANE Select); coding-DNA position 1127, G replaced by A.
Protein change: p.Arg376Gln; replaces arginine 376 with glutamine.
Molecular consequence: missense variant. On other transcripts: intron variant (2).
Genome position (GRCh38, 1-based): chr22:19,766,479, G>A. VCF-style: chr22-19766479-G-A. GRCh37 (hg19) VCF-style: chr22-19754002-G-A.
Other names: c.1100G>A, p.Arg367Gln (NM_080647.1); c.1009+477G>A (NM_005992.1, NM_080646.2); short protein forms R367Q, R376Q.
Identifiers: ClinVar variation 1054330 (VCV001054330.12), dbSNP rs548714133, ClinGen allele CA322058156.

ClinVar aggregate classification (germline): Uncertain significance. Review status: criteria provided, multiple submitters, no conflicts (2 of 4 stars). 2 submissions from 2 submitters: Uncertain significance (2). Last evaluated 2026-01-06.

Conditions:
DiGeorge syndrome. Also called: Catch22; THIRD AND FOURTH PHARYNGEAL POUCH SYNDROME. Identifiers: Orphanet 567, MedGen C0012236, MONDO:0008564, OMIM 188400.
Cardiovascular phenotype. Identifiers: MedGen CN230736.

Allele frequency attached by ClinVar (database versions not stated): gnomAD 0.00004 and 0.00005; TOPMed 0.00008; 1000 Genomes Project 0.00020; 1000 Genomes Project 30x 0.00047.
gnomAD v4.1: 14 of 1,327,234 alleles (0.0011%); highest among the groups gnomAD compares: African/African-American, 0.02%; no homozygotes.

Submissions (2):

Labcorp Genetics (formerly Invitae), Labcorp
Classification: Uncertain significance for DiGeorge syndrome. Last evaluated: 2026-01-06. Review status: criteria provided, single submitter. Criteria: Invitae Variant Classification Sherloc (09022015). Collection method: clinical testing. Allele origin: germline.
Comment: This sequence change replaces arginine, which is basic and polar, with glutamine, which is neutral and polar, at codon 367 of the TBX1 protein (p.Arg367Gln). This variant is present in population databases (rs548714133, gnomAD 0.02%). This variant has not been reported in the literature in individuals affected with TBX1-related conditions. ClinVar contains an entry for this variant (Variation ID: 1054330). An algorithm developed to predict the effect of missense changes on protein structure and function (PolyPhen-2) suggests that this variant is likely to be disruptive. In summary, the available evidence is currently insufficient to determine the role of this variant in disease. Therefore, it has been classified as a Variant of Uncertain Significance.

Ambry Genetics
Classification: Uncertain significance for Cardiovascular phenotype. Last evaluated: 2024-12-29. Review status: criteria provided, single submitter. Criteria: Ambry Variant Classification Scheme 2023. Collection method: clinical testing. Allele origin: germline.
Comment: The p.R367Q variant (also known as c.1100G>A), located in coding exon 8 of the TBX1 gene, results from a G to A substitution at nucleotide position 1100. The arginine at codon 367 is replaced by glutamine, an amino acid with highly similar properties. This amino acid position is conserved. In addition, the in silico prediction for this alteration is inconclusive. Since supporting evidence is limited at this time, the clinical significance of this alteration remains unclear.